The following is an entry in ClinVar:

ClinVar aggregate classification (germline): Likely benign (0 of 4 stars; one submission).

Conditions:
PLXNA1-related disorder. Also called: PLXNA1-related condition.

gnomAD v4.1: 4 of 1,611,110 alleles (0.00025%); highest among the groups gnomAD compares: East Asian, 0.0022%; no homozygotes.

Submission:

PreventionGenetics, part of Exact Sciences
Classification: Likely benign for PLXNA1-related condition. Last evaluated: 2022-03-17. Review status: no assertion criteria provided. Collection method: clinical testing. Allele origin: germline.
Comment: This variant is classified as likely benign based on ACMG/AMP sequence variant interpretation guidelines (Richards et al. 2015 PMID: 25741868, with internal and published modifications).

NM_032242.4(PLXNA1):c.4278C>G (p.Pro1426=)

Gene: PLXNA1 (plexin A1; plus strand). Cytogenetic location: 3q21.3.
Variant type: single nucleotide variant.
Coding change: c.4278C>G on transcript NM_032242.4 (MANE Select); coding-DNA position 4278, C replaced by G.
Protein change: p.Pro1426=; no amino-acid change (proline 1426 retained).
Molecular consequence: synonymous variant.
Genome position (GRCh38, 1-based): chr3:127,022,324, C>G. VCF-style: chr3-127022324-C-G. GRCh37 (hg19) VCF-style: chr3-126741167-C-G.
Identifiers: ClinVar variation 3355724 (VCV003355724.1).